The following is an entry in ClinVar:

NM_002439.5(MSH3):c.3107A>G (p.Glu1036Gly)

Gene: MSH3 (mutS homolog 3; plus strand). Cytogenetic location: 5q14.1.
Variant type: single nucleotide variant.
Coding change: c.3107A>G on transcript NM_002439.5 (MANE Select); coding-DNA position 3107, A replaced by G.
Protein change: p.Glu1036Gly; replaces glutamic acid 1036 with glycine.
Molecular consequence: missense variant.
Genome position (GRCh38, 1-based): chr5:80,864,919, A>G. VCF-style: chr5-80864919-A-G. GRCh37 (hg19) VCF-style: chr5-80160738-A-G.
Other names: short protein forms E1036G.
Identifiers: ClinVar variation 1727695 (VCV001727695.2), dbSNP rs2478789340, ClinGen allele CA360346423.

ClinVar aggregate classification (germline): Uncertain significance (1 of 4 stars; one submission).

Conditions:
Hereditary cancer-predisposing syndrome. Also called: Tumor predisposition; Neoplastic Syndromes, Hereditary; Hereditary Cancer Syndrome; Hereditary neoplastic syndrome. Identifiers: Orphanet 140162, MedGen C0027672, MeSH D009386, MONDO:0015356.

Submission:

Ambry Genetics
Classification: Uncertain significance for Hereditary cancer-predisposing syndrome. Last evaluated: 2021-12-18. Review status: criteria provided, single submitter. Criteria: Ambry Variant Classification Scheme 2023. Collection method: clinical testing. Allele origin: germline.
Comment: The p.E1036G variant (also known as c.3107A>G), located in coding exon 22 of the MSH3 gene, results from an A to G substitution at nucleotide position 3107. The glutamic acid at codon 1036 is replaced by glycine, an amino acid with similar properties. This amino acid position is conserved. In addition, the in silico prediction for this alteration is inconclusive. Since supporting evidence is limited at this time, the clinical significance of this alteration remains unclear.